The following is an entry in ClinVar:

NM_001164508.2(NEB):c.17510A>G (p.Lys5837Arg)

Gene: NEB (nebulin; minus strand). Cytogenetic location: 2q23.3.
Variant type: single nucleotide variant.
Coding change: c.17510A>G on transcript NM_001164508.2 (MANE Select); coding-DNA position 17510, A replaced by G.
Protein change: p.Lys5837Arg; replaces lysine 5837 with arginine.
Molecular consequence: missense variant.
Genome position (GRCh38, 1-based): chr2:151,569,293, T>C on the plus strand (A>G on the coding strand, the complement: NEB is on the minus strand). VCF-style: chr2-151569293-T-C. GRCh37 (hg19) VCF-style: chr2-152425807-T-C.
Other names: c.17510A>G, p.Lys5837Arg (NM_001164507.2, NM_001271208.2); c.12407A>G, p.Lys4136Arg (NM_004543.5); short protein forms K5837R, K4136R.
Identifiers: ClinVar variation 465503 (VCV000465503.26), dbSNP rs201962649, ClinGen allele CA1908195.

ClinVar aggregate classification (germline): Conflicting classifications of pathogenicity. Review status: criteria provided, conflicting classifications (1 of 4 stars). 6 submissions from 6 submitters: Uncertain significance (2); Likely benign (3). 1 of the submissions does not count toward it. Last evaluated 2026-01-26.

Conditions:
NEB-related disorder. Also called: NEB-related condition; NEB-Related Disorders.
Nemaline myopathy 2 (NEM2). Also called: Nemaline myopathy 2, autosomal recessive. Identifiers: MedGen C1850569, MONDO:0009725, OMIM 256030.

Allele frequency attached by ClinVar (database versions not stated): gnomAD exomes 0.00010 and 0.00022; ExAC 0.00027; gnomAD 0.00100 and 0.00114; ESP Exome Variant Server 0.00114; TOPMed 0.00116.
gnomAD v4.1: 318 of 1,613,926 alleles (0.02%); highest among the groups gnomAD compares: African/African-American, 0.35%; 1 homozygote.

Submissions (6):

Labcorp Genetics (formerly Invitae), Labcorp
Classification: Likely benign for Nemaline myopathy 2. Last evaluated: 2026-01-26. Review status: criteria provided, single submitter. Criteria: Invitae Variant Classification Sherloc (09022015). Collection method: clinical testing. Allele origin: germline.

GeneDx
Classification: Likely benign. Last evaluated: 2021-08-26. Review status: criteria provided, single submitter. Criteria: GeneDx Variant Classification Process June 2021. Collection method: clinical testing. Allele origin: germline. Affected: yes.

Mayo Clinic Laboratories, Mayo Clinic
Classification: Uncertain significance. Last evaluated: 2020-02-04. Review status: criteria provided, single submitter. Criteria: ACMG Guidelines, 2015. Collection method: clinical testing. Allele origin: germline. Observed: 1 variant allele.

Dubai Health Genomic Medicine Center, Dubai Health
Classification: Likely benign for Nemaline myopathy 2. Last evaluated: 2019-12-29. Review status: criteria provided, single submitter. Criteria: ACMG Guidelines, 2015. Collection method: clinical testing. Allele origin: germline. Affected: yes.

Eurofins Ntd Llc (ga)
Classification: Uncertain significance. Last evaluated: 2017-07-31. Review status: criteria provided, single submitter. Criteria: EGL Classification Definitions 2015. Collection method: clinical testing. Allele origin: germline. Observed: 1 variant allele, 1 heterozygote.

PreventionGenetics, part of Exact Sciences
Classification: Likely benign for NEB-related condition. Last evaluated: 2022-05-25. Review status: no assertion criteria provided. Collection method: clinical testing. Allele origin: germline. Not counted in ClinVar's aggregate classification.
Comment: This variant is classified as likely benign based on ACMG/AMP sequence variant interpretation guidelines (Richards et al. 2015 PMID: 25741868, with internal and published modifications).